The following is an entry in ClinVar:

ClinVar aggregate classification (germline): Uncertain significance (1 of 4 stars; one submission).

gnomAD v4.1: 11 of 1,614,084 alleles (0.00068%); highest among the groups gnomAD compares: Non-Finnish European, 0.00093%; no homozygotes.

Submission:

Labcorp Genetics (formerly Invitae), Labcorp
Classification: Uncertain significance. Last evaluated: 2025-08-17. Review status: criteria provided, single submitter. Criteria: Invitae Variant Classification Sherloc (09022015). Collection method: clinical testing. Allele origin: germline.
Comment: This sequence change replaces isoleucine, which is neutral and non-polar, with valine, which is neutral and non-polar, at codon 242 of the RGR protein (p.Ile242Val). This variant is present in population databases (rs766255656, gnomAD 0.0009%). This variant has not been reported in the literature in individuals affected with RGR-related conditions. An algorithm developed to predict the effect of missense changes on protein structure and function outputs the following: PolyPhen-2: "Not Available". The valine amino acid residue is found in multiple mammalian species, which suggests that this missense change does not adversely affect protein function. In summary, the available evidence is currently insufficient to determine the role of this variant in disease. Therefore, it has been classified as a Variant of Uncertain Significance.

NM_001012720.2(RGR):c.724A>G (p.Ile242Val)

Gene: RGR (retinal G protein coupled receptor; plus strand). Cytogenetic location: 10q23.1.
Variant type: single nucleotide variant.
Coding change: c.724A>G on transcript NM_001012720.2 (MANE Select); coding-DNA position 724, A replaced by G.
Protein change: p.Ile242Val; replaces isoleucine 242 with valine.
Molecular consequence: missense variant. On other transcripts: intron variant (1).
Genome position (GRCh38, 1-based): chr10:84,257,986, A>G. VCF-style: chr10-84257986-A-G. GRCh37 (hg19) VCF-style: chr10-86017742-A-G.
Other names: c.736A>G, p.Ile246Val (NM_002921.4); c.631-522A>G (NM_001012722.2); short protein forms I246V, I242V.
Identifiers: ClinVar variation 4764344 (VCV004764344.1).